The following is an entry in ClinVar:

NM_000726.5(CACNB4):c.912A>T (p.Arg304Ser)

Gene: CACNB4 (calcium voltage-gated channel auxiliary subunit beta 4; minus strand). Cytogenetic location: 2q23.3.
Variant type: single nucleotide variant.
Coding change: c.912A>T on transcript NM_000726.5 (MANE Select); coding-DNA position 912, A replaced by T.
Protein change: p.Arg304Ser; replaces arginine 304 with serine.
Molecular consequence: missense variant.
Genome position (GRCh38, 1-based): chr2:151,855,332, T>A on the plus strand (A>T on the coding strand, the complement: CACNB4 is on the minus strand). VCF-style: chr2-151855332-T-A. GRCh37 (hg19) VCF-style: chr2-152711846-T-A.
Other names: c.621A>T, p.Arg207Ser (NM_001330115.2); c.582A>T, p.Arg194Ser (NM_001330116.2); c.354A>T, p.Arg118Ser (NM_001330117.2); c.771A>T, p.Arg257Ser (NM_001330118.2, NM_001320722.3); c.858A>T, p.Arg286Ser (NM_001005746.4); c.810A>T, p.Arg270Ser (NM_001005747.4); c.912A>T, p.Arg304Ser (NM_001145798.3); c.669A>T, p.Arg223Ser (NM_001330113.2); and 1 more; short protein forms R118S, R194S, R207S, R223S, R257S, R270S, R286S, R304S.
Identifiers: ClinVar variation 4293526 (VCV004293526.1).

ClinVar aggregate classification (germline): Uncertain significance (1 of 4 stars; one submission).

Conditions:
Epilepsy, idiopathic generalized, susceptibility to, 9. Identifiers: Orphanet 307, MedGen C2750887, MONDO:0011892, OMIM 607682.

Submission:

3billion
Classification: Uncertain significance for Epilepsy, idiopathic generalized, susceptibility to, 9. Last evaluated: 2024-12-24. Review status: criteria provided, single submitter. Criteria: ACMG Guidelines, 2015. Collection method: clinical testing. Allele origin: germline. Affected: yes.
Comment: The variant is not observed in the gnomAD v4.1.0 dataset. Predicted Consequence/Location: Missense variant In silico tool predictions suggest damaging effect of the variant on gene or gene product [REVEL: 0.64 (>=0.6, sensitivity 0.68 and specificity 0.92)]. Therefore, this variant is classified as VUS according to the recommendation of ACMG/AMP guideline.